The following is an entry in ClinVar:

NM_004364.5(CEBPA):c.409G>C (p.Gly137Arg)

Gene: CEBPA (CCAAT enhancer binding protein alpha; minus strand). Cytogenetic location: 19q13.11.
Variant type: single nucleotide variant.
Coding change: c.409G>C on transcript NM_004364.5 (MANE Select); coding-DNA position 409, G replaced by C.
Protein change: p.Gly137Arg; replaces glycine 137 with arginine.
Molecular consequence: missense variant.
Genome position (GRCh38, 1-based): chr19:33,302,006, C>G on the plus strand (G>C on the coding strand, the complement: CEBPA is on the minus strand). VCF-style: chr19-33302006-C-G. GRCh37 (hg19) VCF-style: chr19-33792912-C-G.
Other names: c.52G>C, p.Gly18Arg (NM_001285829.2); c.514G>C, p.Gly172Arg (NM_001287424.2); c.367G>C, p.Gly123Arg (NM_001287435.2); short protein forms G137R, G18R, G172R, G123R.
Identifiers: ClinVar variation 5034257 (VCV005034257.1).

ClinVar aggregate classification (germline): Uncertain significance (1 of 4 stars; one submission).

Conditions:
Inborn genetic diseases. Identifiers: MedGen C0950123, MeSH D030342.

Submission:

Ambry Genetics
Classification: Uncertain significance for Inborn genetic diseases. Last evaluated: 2026-09-08. Review status: criteria provided, single submitter. Criteria: Ambry Variant Classification Scheme 2023. Collection method: clinical testing. Allele origin: germline.
Comment: The p.G137R variant (also known as c.409G>C), located in coding exon 1 of the CEBPA gene, results from a G to C substitution at nucleotide position 409. The glycine at codon 137 is replaced by arginine, an amino acid with dissimilar properties. This amino acid position is highly conserved in available vertebrate species. In addition, this alteration is predicted to be tolerated by in silico analysis. Based on the available evidence, the clinical significance of this variant remains unclear.